The following is an entry in ClinVar:

ClinVar aggregate classification (germline): Likely benign. Review status: criteria provided, multiple submitters, no conflicts (2 of 4 stars). 3 submissions from 3 submitters: Likely benign (3). Last evaluated 2024-07-20.

gnomAD v4.1: 15 of 1,610,480 alleles (0.00093%); highest among the groups gnomAD compares: African/African-American, 0.0093%; no homozygotes.

Submissions (3):

Labcorp Genetics (formerly Invitae), Labcorp
Classification: Likely benign. Last evaluated: 2024-07-20. Review status: criteria provided, single submitter. Criteria: Invitae Variant Classification Sherloc (09022015). Collection method: clinical testing. Allele origin: germline.

Women's Health and Genetics/Laboratory Corporation of America, LabCorp
Classification: Likely benign. Last evaluated: 2024-03-21. Review status: criteria provided, single submitter. Criteria: LabCorp Variant Classification Summary - May 2015. Collection method: clinical testing. Allele origin: germline.
Comment: Variant summary: GATA3 c.708C>G alters a conserved nucleotide resulting in a synonymous change. Consensus agreement among computation tools predict no significant impact on normal splicing. However, these predictions have yet to be confirmed by functional studies. The variant allele was found at a frequency of 1.2e-05 in 246212 control chromosomes (gnomAD). The available data on variant occurrences in the general population are insufficient to allow any conclusion about variant significance. To our knowledge, no occurrence of c.708C>G in individuals affected with Hypoparathyroidism, Deafness, Renal Disease Syndrome and no experimental evidence demonstrating its impact on protein function have been reported. No submitters have cited clinical-significance assessments for this variant to ClinVar. Based on the evidence outlined above, the variant was classified as likely benign.

Blueprint Genetics
Classification: Likely benign. Last evaluated: 2020-11-02. Review status: criteria provided, single submitter. Criteria: ACMG Guidelines, 2015. Collection method: clinical testing. Allele origin: germline.

NM_001002295.2(GATA3):c.708C>G (p.Pro236=)

Gene: GATA3 (GATA binding protein 3; plus strand). Cytogenetic location: 10p14.
Variant type: single nucleotide variant.
Coding change: c.708C>G on transcript NM_001002295.2 (MANE Select); coding-DNA position 708, C replaced by G.
Protein change: p.Pro236=; no amino-acid change (proline 236 retained).
Molecular consequence: synonymous variant.
Genome position (GRCh38, 1-based): chr10:8,058,771, C>G. VCF-style: chr10-8058771-C-G. GRCh37 (hg19) VCF-style: chr10-8100734-C-G.
Other names: c.708C>G, p.Pro236= (NM_002051.3).
Identifiers: ClinVar variation 3233839 (VCV003233839.5), dbSNP rs143582578, ClinGen allele CA202455434.
Genomic context (GRCh38, chr10:8,058,771, plus strand): 5'-CCACCCCATCACCACCTACCCGCCCTACGTGCCCGAGTACAGCTCCGGACTCTTCCCCCC[C>G]AGCAGCCTGCTGGGCGGCTCCCCCACCGGCTTCGGATGCAAGTCCAGGCCCAAGGCCCGG-3'
Protein context (NP_001002295.1, residues 226-246): VPEYSSGLFP[Pro236=]SSLLGGSPTG